The following is an entry in ClinVar:

ClinVar aggregate classification (germline): Uncertain significance (1 of 4 stars; one submission).

Submission:

Labcorp Genetics (formerly Invitae), Labcorp
Classification: Uncertain significance. Last evaluated: 2024-02-02. Review status: criteria provided, single submitter. Criteria: Invitae Variant Classification Sherloc (09022015). Collection method: clinical testing. Allele origin: germline.
Comment: This sequence change replaces leucine, which is neutral and non-polar, with arginine, which is basic and polar, at codon 648 of the CCDC141 protein (p.Leu648Arg). This variant is present in population databases (no rsID available, gnomAD 0.003%). This missense change has been observed in individual(s) with idiopathic hypogonadotropic hypogonadism (PMID: 28324054). An algorithm developed to predict the effect of missense changes on protein structure and function (PolyPhen-2) suggests that this variant is likely to be tolerated. In summary, the available evidence is currently insufficient to determine the role of this variant in disease. Therefore, it has been classified as a Variant of Uncertain Significance.

Literature cited by the submitters: PubMed 28324054.

NM_173648.4(CCDC141):c.1943T>G (p.Leu648Arg)

Gene: CCDC141 (coiled-coil domain containing 141; minus strand). Cytogenetic location: 2q31.2.
Variant type: single nucleotide variant.
Coding change: c.1943T>G on transcript NM_173648.4 (MANE Select); coding-DNA position 1943, T replaced by G.
Protein change: p.Leu648Arg; replaces leucine 648 with arginine.
Molecular consequence: missense variant.
Genome position (GRCh38, 1-based): chr2:178,872,269, A>C on the plus strand (T>G on the coding strand, the complement: CCDC141 is on the minus strand). VCF-style: chr2-178872269-A-C. GRCh37 (hg19) VCF-style: chr2-179736996-A-C.
Other names: short protein forms L648R.
Identifiers: ClinVar variation 3603661 (VCV003603661.2).